The following is an entry in ClinVar:

NM_021100.5(NFS1):c.1111A>C (p.Lys371Gln)

Gene: NFS1 (NFS1 cysteine desulfurase; minus strand). Cytogenetic location: 20q11.22.
Variant type: single nucleotide variant.
Coding change: c.1111A>C on transcript NM_021100.5 (MANE Select); coding-DNA position 1111, A replaced by C.
Protein change: p.Lys371Gln; replaces lysine 371 with glutamine.
Molecular consequence: missense variant. On other transcripts: non-coding transcript variant (1).
Genome position (GRCh38, 1-based): chr20:35,674,375, T>G on the plus strand (A>C on the coding strand, the complement: NFS1 is on the minus strand). VCF-style: chr20-35674375-T-G. GRCh37 (hg19) VCF-style: chr20-34262297-T-G.
Other names: c.958A>C, p.Lys320Gln (NM_001198989.2); short protein forms K320Q, K371Q.
Identifiers: ClinVar variation 2125207 (VCV002125207.4), dbSNP rs2515474231, ClinGen allele CA408780929.

ClinVar aggregate classification (germline): Uncertain significance (1 of 4 stars; one submission).

Submission:

Labcorp Genetics (formerly Invitae), Labcorp
Classification: Uncertain significance. Last evaluated: 2022-07-31. Review status: criteria provided, single submitter. Criteria: Invitae Variant Classification Sherloc (09022015). Collection method: clinical testing. Allele origin: germline.
Comment: This sequence change replaces lysine, which is basic and polar, with glutamine, which is neutral and polar, at codon 371 of the NFS1 protein (p.Lys371Gln). This variant is not present in population databases (gnomAD no frequency). This variant has not been reported in the literature in individuals affected with NFS1-related conditions. In summary, the available evidence is currently insufficient to determine the role of this variant in disease. Therefore, it has been classified as a Variant of Uncertain Significance. Algorithms developed to predict the effect of missense changes on protein structure and function are either unavailable or do not agree on the potential impact of this missense change (SIFT: "Deleterious"; PolyPhen-2: "Possibly Damaging"; Align-GVGD: "Class C0").